The following is an entry in ClinVar:

ClinVar aggregate classification (germline): Uncertain significance. Review status: criteria provided, multiple submitters, no conflicts (2 of 4 stars). 5 submissions from 5 submitters: Uncertain significance (4). 1 of the submissions does not count toward it. Last evaluated 2025-05-14.

Conditions:
Inborn genetic diseases. Identifiers: MedGen C0950123, MeSH D030342.
Glycogen storage disease type III (GSD3). Also called: FORBES DISEASE; Cori disease. Identifiers: Orphanet 366, MedGen C0017922, MONDO:0009291, OMIM 232400.

Allele frequency attached by ClinVar (database versions not stated): gnomAD below 0.00001 and 0.00001; gnomAD exomes 0.00001 and 0.00004; ExAC 0.00002; 1000 Genomes Project 30x 0.00016; 1000 Genomes Project 0.00020.
gnomAD v4.1: 15 of 1,614,142 alleles (0.00093%); highest among the groups gnomAD compares: South Asian, 0.016%; no homozygotes.

Submissions (5):

Ambry Genetics
Classification: Uncertain significance for Inborn genetic diseases. Last evaluated: 2025-05-14. Review status: criteria provided, single submitter. Criteria: Ambry Variant Classification Scheme 2023. Collection method: clinical testing. Allele origin: germline.

Blueprint Genetics
Classification: Uncertain significance. Last evaluated: 2023-10-17. Review status: criteria provided, single submitter. Criteria: ACMG Guidelines, 2015. Collection method: clinical testing. Allele origin: germline.

Labcorp Genetics (formerly Invitae), Labcorp
Classification: Uncertain significance for Glycogen storage disease type III. Last evaluated: 2022-03-14. Review status: criteria provided, single submitter. Criteria: Invitae Variant Classification Sherloc (09022015). Collection method: clinical testing. Allele origin: germline.
Comment: This sequence change replaces arginine, which is basic and polar, with glycine, which is neutral and non-polar, at codon 148 of the AGL protein (p.Arg148Gly). This variant is present in population databases (rs574307189, gnomAD 0.03%). This variant has not been reported in the literature in individuals affected with AGL-related conditions. ClinVar contains an entry for this variant (Variation ID: 855171). Algorithms developed to predict the effect of missense changes on protein structure and function (SIFT, PolyPhen-2, Align-GVGD) all suggest that this variant is likely to be tolerated. In summary, the available evidence is currently insufficient to determine the role of this variant in disease. Therefore, it has been classified as a Variant of Uncertain Significance.

Breakthrough Genomics
Classification: Uncertain significance. Review status: criteria provided, single submitter. Criteria: ACMG Guidelines, 2015. Collection method: not provided. Allele origin: germline. Inheritance: Autosomal recessive inheritance. Affected: yes.

Natera, Inc.
Classification: Uncertain significance for Glycogen storage disease type III. Last evaluated: 2020-09-16. Review status: no assertion criteria provided. Collection method: clinical testing. Allele origin: germline. Not counted in ClinVar's aggregate classification.

NM_000642.3(AGL):c.442A>G (p.Arg148Gly)

Gene: AGL (amylo-alpha-1,6-glucosidase and 4-alpha-glucanotransferase; plus strand). Cytogenetic location: 1p21.2.
Variant type: single nucleotide variant.
Coding change: c.442A>G on transcript NM_000642.3 (MANE Select); coding-DNA position 442, A replaced by G.
Protein change: p.Arg148Gly; replaces arginine 148 with glycine.
Molecular consequence: missense variant.
Genome position (GRCh38, 1-based): chr1:99,862,405, A>G. VCF-style: chr1-99862405-A-G. GRCh37 (hg19) VCF-style: chr1-100327961-A-G.
Other names: c.442A>G, p.Arg148Gly (NM_000028.3, NM_000643.3, NM_000644.3 and 5 more transcripts); c.394A>G, p.Arg132Gly (NM_000646.3); short protein forms R132G, R148G.
Identifiers: ClinVar variation 855171 (VCV000855171.10), dbSNP rs574307189, ClinGen allele CA966161.
Genomic context (GRCh38, chr1:99,862,405, plus strand): 5'-ACTCTTCAGACATTTTTAGCTAAGTGTTTGGGACCTTTTGATGAATGGGAAAGCAGACTT[A>G]GGGTTGCAAAAGAATCAGGTAATGTCAGCTTGCTTTCTTTTTCTTATTTAAAAAAATAAA-3'
Protein context (NP_000633.2, residues 138-158): GPFDEWESRL[Arg148Gly]VAKESGYNMI